The following is an entry in ClinVar:

NM_001931.5(DLAT):c.381+5_381+6insC

Gene: DLAT (dihydrolipoamide S-acetyltransferase; plus strand). Cytogenetic location: 11q23.1.
Variant type: Insertion.
Coding change: c.381+5_381+6insC on transcript NM_001931.5 (MANE Select); bases 5 to 6 of the intron after coding-DNA position 381, C inserted.
Molecular consequence: intron variant.
Genome position: GRCh38 VCF-style: chr11-112026304-G-GC. GRCh37 (hg19) VCF-style: chr11-111897028-G-GC.
Other names: c.-86+5_-86+6insC (NM_001372042.1); c.381+5_381+6insC (NM_001372031.1, NM_001372033.1, NM_001372035.1 and 4 more transcripts); c.364+22_364+23insC (NM_001372040.1); c.348+5_348+6insC (NM_001372034.1); c.255+5_255+6insC (NM_001372036.1); c.213+5_213+6insC (NM_001372037.1).
Identifiers: ClinVar variation 1409396 (VCV001409396.6), dbSNP rs782376838, ClinGen allele CA671751580.
Genomic context (GRCh38, chr11:112,026,304, plus strand): 5'-CCCGTTGGGAAAAAAAAGAGGGGGACAAAATCAATGAAGGTGACCTAATTGCAGAGGTAA[G>GC]TTTTTTTTTTTTTTTTTAATTAATTTATTTATTTTTTTTATTGATCATTCTTGGGTGTTT-3'

ClinVar aggregate classification (germline): Uncertain significance (1 of 4 stars; one submission).

Conditions:
Pyruvate dehydrogenase E2 deficiency (PDHDD). Also called: Dihydrolipoamide Acetyltransferase (E2) Deficiency; LACTIC ACIDEMIA DUE TO DEFECT OF E2 LIPOYL TRANSACETYLASE OF THE PYRUVATE DEHYDROGENASE COMPLEX. Identifiers: Orphanet 765, Orphanet 79244, MedGen C1855565, MONDO:0009502, OMIM 245348.

Allele frequency attached by ClinVar (database versions not stated): TOPMed below 0.00001; gnomAD 0.00001.

Submission:

Labcorp Genetics (formerly Invitae), Labcorp
Classification: Uncertain significance for Pyruvate dehydrogenase E2 deficiency. Last evaluated: 2021-10-20. Review status: criteria provided, single submitter. Criteria: Invitae Variant Classification Sherloc (09022015). Collection method: clinical testing. Allele origin: germline.
Comment: This variant is not present in population databases (ExAC no frequency). This sequence change falls in intron 2 of the DLAT gene. It does not directly change the encoded amino acid sequence of the DLAT protein. It affects a nucleotide within the consensus splice site. This variant has not been reported in the literature in individuals affected with DLAT-related conditions. In summary, the available evidence is currently insufficient to determine the role of this variant in disease. Therefore, it has been classified as a Variant of Uncertain Significance. Variants that disrupt the consensus splice site are a relatively common cause of aberrant splicing (PMID: 17576681, 9536098). Algorithms developed to predict the effect of sequence changes on RNA splicing suggest that this variant is not likely to affect RNA splicing.

Literature cited by the submitters: PubMed 17576681; PubMed 9536098.